The following is an entry in ClinVar:

ClinVar aggregate classification (germline): Uncertain significance (1 of 4 stars; one submission).

Allele frequency attached by ClinVar (database versions not stated): gnomAD 0.00001; TOPMed 0.00001; ESP Exome Variant Server 0.00008.
gnomAD v4.1: 74 of 1,613,926 alleles (0.0046%); highest among the groups gnomAD compares: Non-Finnish European, 0.0062%; no homozygotes.

Submission:

Labcorp Genetics (formerly Invitae), Labcorp
Classification: Uncertain significance. Last evaluated: 2022-09-24. Review status: criteria provided, single submitter. Criteria: Invitae Variant Classification Sherloc (09022015). Collection method: clinical testing. Allele origin: germline.
Comment: This variant has not been reported in the literature in individuals affected with EMC1-related conditions. This variant is present in population databases (rs368733427, gnomAD 0.007%). This sequence change falls in intron 4 of the EMC1 gene. It does not directly change the encoded amino acid sequence of the EMC1 protein. Algorithms developed to predict the effect of sequence changes on RNA splicing suggest that this variant may create or strengthen a splice site. In summary, the available evidence is currently insufficient to determine the role of this variant in disease. Therefore, it has been classified as a Variant of Uncertain Significance.

NM_015047.3(EMC1):c.381-11C>A

Gene: EMC1 (ER membrane protein complex subunit 1; minus strand). Cytogenetic location: 1p36.13.
Variant type: single nucleotide variant.
Coding change: c.381-11C>A on transcript NM_015047.3 (MANE Select); 11 bases into the intron before coding-DNA position 381, C replaced by A.
Molecular consequence: intron variant.
Genome position (GRCh38, 1-based): chr1:19,242,484, G>T on the plus strand (C>A on the coding strand, the complement: EMC1 is on the minus strand). VCF-style: chr1-19242484-G-T. GRCh37 (hg19) VCF-style: chr1-19568978-G-T.
Other names: c.315-11C>A (NM_001271429.2); c.381-11C>A (NM_001271427.2, NM_001375821.1, NM_001271428.2 and 1 more transcripts).
Identifiers: ClinVar variation 2032429 (VCV002032429.4), dbSNP rs368733427, ClinGen allele CA18823401.
Genomic context (GRCh38, chr1:19,242,484, plus strand): 5'-CGATGTACCTTACAGACTCCTGCAGGCCAACCAGCCCAAGTGCCTGGAAACTGAACACAA[G>T]TACAGGTTGAGAGCAGCCCACACCTGCAGAGCCTCAGGCTGGGAGAGACAGTCCAGAACA-3'